The following is an entry in ClinVar:

ClinVar aggregate classification (germline): Uncertain significance (1 of 4 stars; one submission).

Conditions:
Familial thoracic aortic aneurysm and aortic dissection (TAAD). Also called: Thoracic aortic aneurysms and dissections. Identifiers: Orphanet 91387, MedGen C4707243, MONDO:0019625.

Submission:

Labcorp Genetics (formerly Invitae), Labcorp
Classification: Uncertain significance for Familial thoracic aortic aneurysm and aortic dissection. Last evaluated: 2023-10-13. Review status: criteria provided, single submitter. Criteria: Invitae Variant Classification Sherloc (09022015). Collection method: clinical testing. Allele origin: germline.
Comment: This sequence change replaces valine, which is neutral and non-polar, with methionine, which is neutral and non-polar, at codon 299 of the TGFBR1 protein (p.Val299Met). This variant is not present in population databases (gnomAD no frequency). This variant has not been reported in the literature in individuals affected with TGFBR1-related conditions. Advanced modeling of protein sequence and biophysical properties (such as structural, functional, and spatial information, amino acid conservation, physicochemical variation, residue mobility, and thermodynamic stability) performed at Invitae indicates that this missense variant is not expected to disrupt TGFBR1 protein function. In summary, the available evidence is currently insufficient to determine the role of this variant in disease. Therefore, it has been classified as a Variant of Uncertain Significance.

NM_004612.4(TGFBR1):c.895G>A (p.Val299Met)

Gene: TGFBR1 (transforming growth factor beta receptor 1; plus strand). Cytogenetic location: 9q22.33.
Variant type: single nucleotide variant.
Coding change: c.895G>A on transcript NM_004612.4 (MANE Select); coding-DNA position 895, G replaced by A.
Protein change: p.Val299Met; replaces valine 299 with methionine.
Molecular consequence: missense variant. On other transcripts: non-coding transcript variant (4), intron variant (2).
Genome position (GRCh38, 1-based): chr9:99,142,625, G>A. VCF-style: chr9-99142625-G-A. GRCh37 (hg19) VCF-style: chr9-101904907-G-A.
Other names: c.664G>A, p.Val222Met (NM_001130916.3, NM_001407435.1); c.907G>A, p.Val303Met (NM_001306210.2); c.700G>A, p.Val234Met (NM_001407418.1, NM_001407419.1, NM_001407420.1 and 1 more transcripts); c.688G>A, p.Val230Met (NM_001407423.1, NM_001407424.1, NM_001407425.1 and 8 more transcripts); c.649G>A, p.Val217Met (NM_001407436.1); c.187G>A, p.Val63Met (NM_001407437.1); c.418G>A, p.Val140Met (NM_001407438.1); c.818-2107G>A (NM_001407416.1); and 1 more; short protein forms V222M, V303M, V217M, V299M, V140M, V234M, V230M, V63M.
Identifiers: ClinVar variation 3019317 (VCV003019317.3), dbSNP rs199822546, ClinGen allele CA196891585.
Genomic context (GRCh38, chr9:99,142,625, plus strand): 5'-GTGTCAGATTATCATGAGCATGGATCCCTTTTTGATTACTTAAACAGATACACAGTTACT[G>A]TGGAAGGAATGATAAAACTTGCTCTGTCCACGGCGAGCGGTCTTGCCCATCTTCACATGG-3'
Protein context (NP_004603.1, residues 289-309): FDYLNRYTVT[Val299Met]EGMIKLALST